The following is an entry in ClinVar:

NM_170699.3(GPBAR1):c.925G>A (p.Asp309Asn)

Gene: GPBAR1 (G protein-coupled bile acid receptor 1; plus strand). Cytogenetic location: 2q35.
Variant type: single nucleotide variant.
Coding change: c.925G>A on transcript NM_170699.3 (MANE Select); coding-DNA position 925, G replaced by A.
Protein change: p.Asp309Asn; replaces aspartic acid 309 with asparagine.
Molecular consequence: missense variant.
Genome position (GRCh38, 1-based): chr2:218,263,649, G>A. VCF-style: chr2-218263649-G-A. GRCh37 (hg19) VCF-style: chr2-219128372-G-A.
Other names: c.925G>A, p.Asp309Asn (NM_001077191.2, NM_001077194.2, NM_001321950.2); short protein forms D309N.
Identifiers: ClinVar variation 4990689 (VCV004990689.1).

ClinVar aggregate classification (germline): Uncertain significance (1 of 4 stars; one submission).

Conditions:
GPBAR1-related disorder. Also called: GPBAR1-related condition.

gnomAD v4.1: 2 of 1,612,894 alleles (0.00012%); highest among the groups gnomAD compares: Admixed American, 0.0033%; no homozygotes.

Submission:

PreventionGenetics, part of Exact Sciences
Classification: Uncertain significance for GPBAR1-related condition. Last evaluated: 2025-05-21. Review status: criteria provided, single submitter. Criteria: ACMG Guidelines, 2015. Collection method: clinical testing. Allele origin: germline.
Comment: The GPBAR1 c.925G>A variant is predicted to result in the amino acid substitution p.Asp309Asn. To our knowledge, this variant has not been reported in the literature. This variant is reported in 0.0029% of alleles in individuals of Latino descent in gnomAD. At this time, the clinical significance of this variant is uncertain due to the absence of conclusive functional and genetic evidence.